The following is an entry in ClinVar:

ClinVar aggregate classification (germline): Uncertain significance (1 of 4 stars; one submission).

Conditions:
Autosomal dominant nocturnal frontal lobe epilepsy 5. Also called: CILIARY DYSKINESIA, PRIMARY, 28, WITH SITUS INVERSUS; CILIARY DYSKINESIA, PRIMARY, 28, WITHOUT SITUS INVERSUS; KCNT1-Related Epilepsy; Epilepsy, nocturnal frontal lobe, 5. Identifiers: Orphanet 98784, MedGen C3554306, MONDO:0014002, OMIM 615005.
Developmental and epileptic encephalopathy, 14 (DEE14). Also called: Early infantile epileptic encephalopathy 14. Identifiers: Orphanet 293181, MedGen C3554195, MONDO:0013989, OMIM 614959.

gnomAD v4.1: 3 of 1,609,890 alleles (0.00019%); highest among the groups gnomAD compares: Non-Finnish European, 0.00025%; no homozygotes.

Submission:

Labcorp Genetics (formerly Invitae), Labcorp
Classification: Uncertain significance for Autosomal dominant nocturnal frontal lobe epilepsy 5; Developmental and epileptic encephalopathy, 14. Last evaluated: 2022-07-30. Review status: criteria provided, single submitter. Criteria: Invitae Variant Classification Sherloc (09022015). Collection method: clinical testing. Allele origin: germline.
Comment: In summary, the available evidence is currently insufficient to determine the role of this variant in disease. Therefore, it has been classified as a Variant of Uncertain Significance. This sequence change replaces alanine, which is neutral and non-polar, with aspartic acid, which is acidic and polar, at codon 35 of the KCNT1 protein (p.Ala35Asp). This variant is present in population databases (rs772080195, gnomAD 0.0009%). This variant has not been reported in the literature in individuals affected with KCNT1-related conditions. Advanced modeling of protein sequence and biophysical properties (such as structural, functional, and spatial information, amino acid conservation, physicochemical variation, residue mobility, and thermodynamic stability) performed at Invitae indicates that this missense variant is not expected to disrupt KCNT1 protein function.

NM_020822.3(KCNT1):c.104C>A (p.Ala35Asp)

Gene: KCNT1 (potassium sodium-activated channel subfamily T member 1; plus strand). Cytogenetic location: 9q34.3.
Variant type: single nucleotide variant.
Coding change: c.104C>A on transcript NM_020822.3 (MANE Select); coding-DNA position 104, C replaced by A.
Protein change: p.Ala35Asp; replaces alanine 35 with aspartic acid.
Molecular consequence: missense variant.
Genome position (GRCh38, 1-based): chr9:135,702,362, C>A. VCF-style: chr9-135702362-C-A. GRCh37 (hg19) VCF-style: chr9-138594208-C-A.
Other names: c.104C>A, p.Ala35Asp (NM_001272003.2); short protein forms A35D.
Identifiers: ClinVar variation 2012775 (VCV002012775.4), dbSNP rs772080195, ClinGen allele CA5326258.